The following is an entry in ClinVar:

ClinVar aggregate classification (germline): Likely benign (1 of 4 stars; one submission).

Conditions:
ABCB7-related disorder. Also called: ABCB7-related condition.

gnomAD v4.1: 21 of 1,208,991 alleles (0.0017%); highest among the groups gnomAD compares: East Asian, 0.059%; no homozygotes.

Submission:

PreventionGenetics, part of Exact Sciences
Classification: Likely benign for ABCB7-related condition. Last evaluated: 2026-04-21. Review status: criteria provided, single submitter. Criteria: ACMG Guidelines, 2015. Collection method: clinical testing. Allele origin: germline.
Comment: This variant is classified as likely benign based on ACMG/AMP sequence variant interpretation guidelines (Richards et al. 2015 PMID: 25741868, with internal and published modifications).

NM_001271696.3(ABCB7):c.905G>C (p.Gly302Ala)

Gene: ABCB7 (ATP binding cassette subfamily B member 7; minus strand). Cytogenetic location: Xq13.3.
Variant type: single nucleotide variant.
Coding change: c.905G>C on transcript NM_001271696.3 (MANE Select); coding-DNA position 905, G replaced by C.
Protein change: p.Gly302Ala; replaces glycine 302 with alanine.
Molecular consequence: missense variant.
Genome position (GRCh38, 1-based): chrX:75,073,907, C>G on the plus strand (G>C on the coding strand, the complement: ABCB7 is on the minus strand). VCF-style: chrX-75073907-C-G. GRCh37 (hg19) VCF-style: chrX-74293742-C-G.
Other names: c.785G>C, p.Gly262Ala (NM_001271697.3); c.827G>C, p.Gly276Ala (NM_001271698.3); c.788G>C, p.Gly263Ala (NM_001271699.3); c.908G>C, p.Gly303Ala (NM_004299.6); short protein forms G262A, G303A, G302A, G276A, G263A.
Identifiers: ClinVar variation 4977275 (VCV004977275.1).